The following is an entry in ClinVar:

NM_001042492.3(NF1):c.2260G>A (p.Ala754Thr)

Gene: NF1 (neurofibromin 1; plus strand). Cytogenetic location: 17q11.2.
Variant type: single nucleotide variant.
Coding change: c.2260G>A on transcript NM_001042492.3 (MANE Select); coding-DNA position 2260, G replaced by A.
Protein change: p.Ala754Thr; replaces alanine 754 with threonine.
Molecular consequence: missense variant.
Genome position (GRCh38, 1-based): chr17:31,227,226, G>A. VCF-style: chr17-31227226-G-A. GRCh37 (hg19) VCF-style: chr17-29554244-G-A.
Other names: c.2260G>A, p.Ala754Thr (NM_000267.4); short protein forms A754T.
Identifiers: ClinVar variation 820980 (VCV000820980.10), dbSNP rs1597713272, ClinGen allele CA398982688.
Genomic context (GRCh38, chr17:31,227,226, plus strand): 5'-GGCAGGCAGGGCTCTAAGTGCAGTAACTTGATTTGCTGTTGTATTTGCTTAGGAAGAGCA[G>A]CACTTCAGAAAAGAGTGATGGCACTGCTGAGGCGCATTGAGCATCCCACTGCAGGAAACA-3'
Protein context (NP_001035957.1, residues 744-764): VSNMMSTGRA[Ala754Thr]LQKRVMALLR

ClinVar aggregate classification (germline): Uncertain significance. Review status: criteria provided, multiple submitters, no conflicts (2 of 4 stars). 3 submissions from 3 submitters: Uncertain significance (3). Last evaluated 2022-03-15.

Conditions:
Neurofibromatosis, type 1 (NF1). Also called: Peripheral type neurofibromatosis; Neurofibromatosis, type I; NEUROFIBROMATOSIS, TYPE I, SOMATIC; VON RECKLINGHAUSEN DISEASE. Identifiers: Orphanet 636, MedGen C0027831, MONDO:0018975, OMIM 162200. Disease mechanism: loss of function.
Hereditary cancer-predisposing syndrome. Also called: Hereditary Cancer Syndrome; Neoplastic Syndromes, Hereditary; Hereditary neoplastic syndrome; Tumor predisposition. Identifiers: Orphanet 140162, MedGen C0027672, MeSH D009386, MONDO:0015356.
Cardiovascular phenotype. Identifiers: MedGen CN230736.

Submissions (3):

Genome-Nilou Lab
Classification: Uncertain significance for Neurofibromatosis, type 1. Last evaluated: 2022-03-15. Review status: criteria provided, single submitter. Criteria: ACMG Guidelines, 2015. Collection method: clinical testing. Allele origin: germline. Affected: no.

Labcorp Genetics (formerly Invitae), Labcorp
Classification: Uncertain significance for Neurofibromatosis, type 1. Last evaluated: 2020-02-19. Review status: criteria provided, single submitter. Criteria: Invitae Variant Classification Sherloc (09022015). Collection method: clinical testing. Allele origin: germline.
Comment: This sequence change replaces alanine with threonine at codon 754 of the NF1 protein (p.Ala754Thr). The alanine residue is moderately conserved and there is a small physicochemical difference between alanine and threonine. This variant is not present in population databases (ExAC no frequency). This variant has not been reported in the literature in individuals with NF1-related conditions. Algorithms developed to predict the effect of missense changes on protein structure and function (SIFT, PolyPhen-2, Align-GVGD) all suggest that this variant is likely to be tolerated, but these predictions have not been confirmed by published functional studies and their clinical significance is uncertain. In summary, the available evidence is currently insufficient to determine the role of this variant in disease. Therefore, it has been classified as a Variant of Uncertain Significance.

Ambry Genetics
Classification: Uncertain significance for Cardiovascular phenotype; Hereditary cancer-predisposing syndrome. Last evaluated: 2019-03-06. Review status: criteria provided, single submitter. Criteria: Ambry Variant Classification Scheme 2023. Collection method: clinical testing. Allele origin: germline.
Comment: The p.A754T variant (also known as c.2260G>A), located in coding exon 19 of the NF1 gene, results from a G to A substitution at nucleotide position 2260. The alanine at codon 754 is replaced by threonine, an amino acid with similar properties. This amino acid position is not well conserved in available vertebrate species. In addition, this alteration is predicted to be tolerated by in silico analysis. Since supporting evidence is limited at this time, the clinical significance of this alteration remains unclear.